The following is an entry in ClinVar:

NM_000452.3(SLC10A2):c.631G>A (p.Val211Ile)

Gene: SLC10A2 (solute carrier family 10 member 2; minus strand). Cytogenetic location: 13q33.1.
Variant type: single nucleotide variant.
Coding change: c.631G>A on transcript NM_000452.3 (MANE Select); coding-DNA position 631, G replaced by A.
Protein change: p.Val211Ile; replaces valine 211 with isoleucine.
Molecular consequence: missense variant.
Genome position (GRCh38, 1-based): chr13:103,051,387, C>T on the plus strand (G>A on the coding strand, the complement: SLC10A2 is on the minus strand). VCF-style: chr13-103051387-C-T. GRCh37 (hg19) VCF-style: chr13-103703737-C-T.
Other names: short protein forms V211I.
Identifiers: ClinVar variation 3354139 (VCV003354139.1).

ClinVar aggregate classification (germline): Uncertain significance (0 of 4 stars; one submission).

Conditions:
SLC10A2-related disorder. Also called: SLC10A2-related condition.

gnomAD v4.1: 3 of 1,613,996 alleles (0.00019%); highest among the groups gnomAD compares: Admixed American, 0.0033%; no homozygotes.

Submission:

PreventionGenetics, part of Exact Sciences
Classification: Uncertain significance for SLC10A2-related condition. Last evaluated: 2024-03-25. Review status: no assertion criteria provided. Collection method: clinical testing. Allele origin: germline.
Comment: The SLC10A2 c.631G>A variant is predicted to result in the amino acid substitution p.Val211Ile. To our knowledge, this variant has not been reported in the literature. This variant is reported in 0.0058% of alleles in individuals of Latino descent in gnomAD. At this time, the clinical significance of this variant is uncertain due to the absence of conclusive functional and genetic evidence.